The following is an entry in ClinVar:

NM_006514.4(SCN10A):c.3392C>T (p.Thr1131Ile)

Genes: SCN10A (sodium voltage-gated channel alpha subunit 10; minus strand), LOC110121288 (VISTA enhancer hs2268; plus strand). Cytogenetic location: 3p22.2.
Variant type: single nucleotide variant.
Coding change: c.3392C>T on transcript NM_006514.4 (MANE Select); coding-DNA position 3392, C replaced by T.
Protein change: p.Thr1131Ile; replaces threonine 1131 with isoleucine.
Molecular consequence: missense variant.
Genome position (GRCh38, 1-based): chr3:38,722,373, G>A on the plus strand (C>T on the coding strand, the complement: SCN10A is on the minus strand). VCF-style: chr3-38722373-G-A. GRCh37 (hg19) VCF-style: chr3-38763864-G-A.
Other names: c.3389C>T, p.Thr1130Ile (NM_001293306.2); c.3098C>T, p.Thr1033Ile (NM_001293307.2); short protein forms T1033I, T1130I, T1131I.
Identifiers: ClinVar variation 3950875 (VCV003950875.1).

ClinVar aggregate classification (germline): Uncertain significance (1 of 4 stars; one submission).

Conditions:
Cardiovascular phenotype. Identifiers: MedGen CN230736.

Submission:

Ambry Genetics
Classification: Uncertain significance for Cardiovascular phenotype. Last evaluated: 2025-05-08. Review status: criteria provided, single submitter. Criteria: Ambry Variant Classification Scheme 2023. Collection method: clinical testing. Allele origin: germline.
Comment: The p.T1131I variant (also known as c.3392C>T), located in coding exon 19 of the SCN10A gene, results from a C to T substitution at nucleotide position 3392. The threonine at codon 1131 is replaced by isoleucine, an amino acid with similar properties. This amino acid position is conserved. In addition, this alteration is predicted to be tolerated by in silico analysis. Based on the available evidence, the clinical significance of this variant remains unclear.